The following is an entry in ClinVar:

ClinVar aggregate classification (germline): Uncertain significance (1 of 4 stars; one submission).

Conditions:
Hypertrophic cardiomyopathy. Also called: HYPERTROPHIC MYOCARDIOPATHY. Identifiers: Orphanet 217569, MedGen C0007194, MeSH D002312, MONDO:0005045, HP:0001639.

Submission:

Labcorp Genetics (formerly Invitae), Labcorp
Classification: Uncertain significance for Hypertrophic cardiomyopathy. Last evaluated: 2024-04-15. Review status: criteria provided, single submitter. Criteria: Invitae Variant Classification Sherloc (09022015). Collection method: clinical testing. Allele origin: germline.
Comment: This sequence change affects a donor splice site in intron 16 of the MYH7 gene. It is expected to disrupt RNA splicing. Variants that disrupt the donor or acceptor splice site typically lead to a loss of protein function (PMID: 16199547), however the current clinical and genetic evidence is not sufficient to establish whether loss-of-function variants in MYH7 cause disease. This variant is not present in population databases (gnomAD no frequency). Disruption of this splice site has been observed in individual(s) with dilated cardiomyopathy (PMID: 33906374). ClinVar contains an entry for this variant (Variation ID: 2090717). Algorithms developed to predict the effect of sequence changes on RNA splicing suggest that this variant may disrupt the consensus splice site. In summary, the available evidence is currently insufficient to determine the role of this variant in disease. Therefore, it has been classified as a Variant of Uncertain Significance.

Literature cited by the submitters: PubMed 16199547; PubMed 33906374.

NM_000257.4(MYH7):c.1888+1G>T

Gene: MYH7 (myosin heavy chain 7; minus strand). Cytogenetic location: 14q11.2.
Variant type: single nucleotide variant.
Coding change: c.1888+1G>T on transcript NM_000257.4 (MANE Select); the canonical splice donor site of the intron after coding-DNA position 1888, G replaced by T.
Molecular consequence: splice donor variant.
Genome position (GRCh38, 1-based): chr14:23,427,584, C>A on the plus strand (G>T on the coding strand, the complement: MYH7 is on the minus strand). VCF-style: chr14-23427584-C-A. GRCh37 (hg19) VCF-style: chr14-23896793-C-A.
Other names: c.1888+1G>T (NM_001407004.1).
Identifiers: ClinVar variation 2090717 (VCV002090717.4), dbSNP rs113186231, ClinGen allele CA389049609.